The following is an entry in ClinVar:

NM_020638.3(FGF23):c.*1429A>T

Gene: FGF23 (fibroblast growth factor 23; minus strand). Cytogenetic location: 12p13.32.
Variant type: single nucleotide variant.
Coding change: c.*1429A>T on transcript NM_020638.3 (MANE Select); 1429 bases downstream of the stop codon, A replaced by T.
Molecular consequence: 3 prime UTR variant.
Genome position (GRCh38, 1-based): chr12:4,368,914, T>A on the plus strand (A>T on the coding strand, the complement: FGF23 is on the minus strand). VCF-style: chr12-4368914-T-A. GRCh37 (hg19) VCF-style: chr12-4478080-T-A.
Identifiers: ClinVar variation 308779 (VCV000308779.7), dbSNP rs11063112, ClinGen allele CA10637453.

ClinVar aggregate classification (germline): Benign. Review status: criteria provided, multiple submitters, no conflicts (2 of 4 stars). 4 submissions from 3 submitters: Benign (4). Last evaluated 2021-05-11.

Conditions:
Tumoral calcinosis, hyperphosphatemic, familial, 2. Identifiers: MedGen C4693863, MONDO:0060714, OMIM 617993.
Autosomal dominant hypophosphatemic rickets (ADHR). Also called: HYPOPHOSPHATEMIA, AUTOSOMAL DOMINANT; VITAMIN D-RESISTANT RICKETS, AUTOSOMAL DOMINANT. Identifiers: Orphanet 89937, MedGen C0342642, MONDO:0008660, OMIM 193100.

Allele frequency attached by ClinVar (database versions not stated): 1000 Genomes Project 30x 0.20097; 1000 Genomes Project 0.20467; TOPMed 0.21913; gnomAD 0.22976; gnomAD exomes 0.23585.
gnomAD v4.1: 51,193 of 221,966 alleles (23%); highest among the groups gnomAD compares: Admixed American, 28%; 6,476 homozygotes.

Submissions (4):

GeneDx
Classification: Benign. Last evaluated: 2021-05-11. Review status: criteria provided, single submitter. Criteria: GeneDx Variant Classification Process June 2021. Collection method: clinical testing. Allele origin: germline. Affected: yes.

Illumina Laboratory Services, Illumina
Classification: Benign for Autosomal dominant hypophosphatemic rickets. Last evaluated: 2018-01-13. Review status: criteria provided, single submitter. Criteria: ICSL Variant Classification Criteria 13 December 2019. Collection method: clinical testing. Allele origin: germline.
Comment: This variant was observed in the ICSL laboratory as part of a predisposition screen in an ostensibly healthy population. It had not been previously curated by ICSL or reported in the Human Gene Mutation Database (HGMD: prior to June 1st, 2018), and was therefore a candidate for classification through an automated scoring system. Utilizing variant allele frequency, disease prevalence and penetrance estimates, and inheritance mode, an automated score was calculated to assess if this variant is too frequent to cause the disease. Based on the score and internal cut-off values, a variant classified as benign is not then subjected to further curation. The score for this variant resulted in a classification of benign for this disease.

Illumina Laboratory Services, Illumina
Classification: Benign for Tumoral calcinosis, hyperphosphatemic, familial, 2. Last evaluated: 2018-01-13. Review status: criteria provided, single submitter. Criteria: ICSL Variant Classification Criteria 13 December 2019. Collection method: clinical testing. Allele origin: germline.
Comment: the same text as in the submission from Illumina Laboratory Services, Illumina above.

Breakthrough Genomics
Classification: Benign. Review status: criteria provided, single submitter. Criteria: ACMG Guidelines, 2015. Collection method: not provided. Allele origin: germline. Inheritance: Autosomal recessive inheritance. Affected: yes.